The following is an entry in ClinVar:

ClinVar aggregate classification (germline): Uncertain significance (1 of 4 stars; one submission).

Conditions:
SEMA3F-related disorder. Also called: SEMA3F-related condition.

Submission:

PreventionGenetics, part of Exact Sciences
Classification: Uncertain significance for SEMA3F-related condition. Last evaluated: 2024-11-02. Review status: criteria provided, single submitter. Criteria: ACMG Guidelines, 2015. Collection method: clinical testing. Allele origin: germline.
Comment: The SEMA3F c.2240A>G variant is predicted to result in the amino acid substitution p.Gln747Arg. To our knowledge, this variant has not been reported in the literature. This variant is reported in 0.0% of alleles in individuals of African descent in gnomAD. At this time, the clinical significance of this variant is uncertain due to the absence of conclusive functional and genetic evidence.

NM_004186.5(SEMA3F):c.2240A>G (p.Gln747Arg)

Gene: SEMA3F (semaphorin 3F; plus strand). Cytogenetic location: 3p21.31.
Variant type: single nucleotide variant.
Coding change: c.2240A>G on transcript NM_004186.5 (MANE Select); coding-DNA position 2240, A replaced by G.
Protein change: p.Gln747Arg; replaces glutamine 747 with arginine.
Molecular consequence: missense variant.
Genome position (GRCh38, 1-based): chr3:50,187,997, A>G. VCF-style: chr3-50187997-A-G. GRCh37 (hg19) VCF-style: chr3-50225430-A-G.
Other names: c.1943A>G, p.Gln648Arg (NM_001318798.2); c.2147A>G, p.Gln716Arg (NM_001318800.2); short protein forms Q747R, Q648R, Q716R.
Identifiers: ClinVar variation 4998957 (VCV004998957.1).